The following is an entry in ClinVar:

NM_004006.3(DMD):c.7127A>T (p.Gln2376Leu)

Gene: DMD (dystrophin; minus strand). Cytogenetic location: Xp21.1.
Variant type: single nucleotide variant.
Coding change: c.7127A>T on transcript NM_004006.3 (MANE Select); coding-DNA position 7127, A replaced by T.
Protein change: p.Gln2376Leu; replaces glutamine 2376 with leucine.
Molecular consequence: missense variant. On other transcripts: 5 prime UTR variant (5).
Genome position (GRCh38, 1-based): chrX:31,836,791, T>A on the plus strand (A>T on the coding strand, the complement: DMD is on the minus strand). VCF-style: chrX-31836791-T-A. GRCh37 (hg19) VCF-style: chrX-31854908-T-A.
Other names: c.7127A>T (NM_004006.2); c.7103A>T, p.Gln2368Leu (NM_000109.4); c.7115A>T, p.Gln2372Leu (NM_004009.3); c.6758A>T, p.Gln2253Leu (NM_004010.3); c.3104A>T, p.Gln1035Leu (NM_004011.4); c.3095A>T, p.Gln1032Leu (NM_004012.4); c.-254A>T (NM_004013.3, NM_004020.4, NM_004021.3 and 2 more transcripts); short protein forms Q1032L, Q1035L, Q2253L, Q2368L, Q2372L, Q2376L.
Identifiers: ClinVar variation 1123592 (VCV001123592.10), dbSNP rs774228400, ClinGen allele CA10378334.

ClinVar aggregate classification (germline): Conflicting classifications of pathogenicity. Review status: criteria provided, conflicting classifications (1 of 4 stars). 2 submissions from 2 submitters: Uncertain significance (1); Likely benign (1). Last evaluated 2025-04-02.

Conditions:
Cardiovascular phenotype. Identifiers: MedGen CN230736.
Duchenne muscular dystrophy (DMD). Also called: Duchenne Muscular Dystrophy (DMD); MUSCULAR DYSTROPHY, PSEUDOHYPERTROPHIC PROGRESSIVE, DUCHENNE TYPE. Identifiers: Orphanet 98896, MedGen C0013264, MONDO:0010679, OMIM 310200.

Allele frequency attached by ClinVar (database versions not stated): gnomAD 0.00002; gnomAD exomes 0.00002; ExAC 0.00003.
gnomAD v4.1: 21 of 1,209,851 alleles (0.0017%); highest among the groups gnomAD compares: Non-Finnish European, 0.0022%; no homozygotes.

Submissions (2):

Labcorp Genetics (formerly Invitae), Labcorp
Classification: Likely benign for Duchenne muscular dystrophy. Last evaluated: 2025-04-02. Review status: criteria provided, single submitter. Criteria: Invitae Variant Classification Sherloc (09022015). Collection method: clinical testing. Allele origin: germline.

Ambry Genetics
Classification: Uncertain significance for Cardiovascular phenotype. Last evaluated: 2023-09-19. Review status: criteria provided, single submitter. Criteria: Ambry Variant Classification Scheme 2023. Collection method: clinical testing. Allele origin: germline.
Comment: The p.Q2376L variant (also known as c.7127A>T), located in coding exon 49 of the DMD gene, results from an A to T substitution at nucleotide position 7127. The glutamine at codon 2376 is replaced by leucine, an amino acid with dissimilar properties. Based on data from gnomAD, the T allele has an overall frequency of <0.01% (5/205402) total alleles studied, with 2 hemizygote(s) observed. The highest observed frequency was <0.01% (1/18569) of European (Finnish) alleles. This amino acid position is well conserved in available vertebrate species. In addition, this alteration is predicted to be tolerated by in silico analysis. Since supporting evidence is limited at this time, the clinical significance of this alteration remains unclear.